The following is an entry in ClinVar:

NM_000116.5(TAFAZZIN):c.580_583+10del

Gene: TAFAZZIN (tafazzin, phospholipid-lysophospholipid transacylase; plus strand). Cytogenetic location: Xq28.
Variant type: Deletion.
Coding change: c.580_583+10del on transcript NM_000116.5 (MANE Select); coding-DNA position 580 through 10 bases into the intron after coding-DNA position 583, 14 bases deleted (TGGGGTAAGGGCTG).
Molecular consequence: splice donor variant. On other transcripts: intron variant (3).
Genome position (GRCh38, 1-based): chrX:154,419,743-154,419,756, TGGGGTAAGGGCTG deleted; deleting any 14 consecutive bases within chrX:154,419,742-154,419,756 gives the same sequence; the c. name uses the placement nearest the transcript's 3' end. VCF-style (leftmost placement, unchanged base first): chrX-154419741-AGTGGGGTAAGGGCT-A. GRCh37 (hg19) VCF-style: chrX-153648080-AGTGGGGTAAGGGCT-A.
Other names: c.595+120_595+133del (NM_001303465.2); c.541+120_541+133del (NM_181312.4); c.490_493+10del (NM_181311.4); c.451+120_451+133del (NM_181313.4).
Identifiers: ClinVar variation 2103474 (VCV002103474.4), dbSNP rs2522987117, ClinGen allele CA2580101826.

ClinVar aggregate classification (germline): Likely pathogenic (1 of 4 stars; one submission).

Conditions:
3-Methylglutaconic aciduria type 2 (BTHS). Also called: Barth syndrome; CARDIOSKELETAL MYOPATHY WITH NEUTROPENIA AND ABNORMAL MITOCHONDRIA. Identifiers: Orphanet 111, MedGen C0574083, MONDO:0010543, OMIM 302060.

Submission:

Labcorp Genetics (formerly Invitae), Labcorp
Classification: Likely pathogenic for 3-Methylglutaconic aciduria type 2. Last evaluated: 2022-02-25. Review status: criteria provided, single submitter. Criteria: Invitae Variant Classification Sherloc (09022015). Collection method: clinical testing. Allele origin: germline.
Comment: This variant results in the deletion of part of exon 7 (c.580_583+10del) of the TAZ gene. It is expected to disrupt RNA splicing. Variants that disrupt the donor or acceptor splice site typically lead to a loss of protein function (PMID: 16199547), and loss-of-function variants in TAZ are known to be pathogenic (PMID: 16427346, 22382802, 23409742). This variant is not present in population databases (gnomAD no frequency). In summary, the currently available evidence indicates that the variant is pathogenic, but additional data are needed to prove that conclusively. Therefore, this variant has been classified as Likely Pathogenic. Algorithms developed to predict the effect of sequence changes on RNA splicing suggest that this variant may disrupt the consensus splice site. This variant has not been reported in the literature in individuals affected with TAZ-related conditions.

Literature cited by the submitters: PubMed 16199547; PubMed 16427346; PubMed 22382802; PubMed 23409742.